The following is an entry in ClinVar:

NM_000466.3(PEX1):c.782_783del (p.Gln261fs)

Gene: PEX1 (peroxisomal biogenesis factor 1; minus strand). Cytogenetic location: 7q21.2.
Variant type: Deletion.
Coding change: c.782_783del on transcript NM_000466.3 (MANE Select); coding-DNA positions 782 to 783, 2 bases deleted (AA; older notation c.782_783delAA).
Protein change: p.Gln261fs; shifts the reading frame from glutamine 261.
Molecular consequence: frameshift variant.
Genome position (GRCh38, 1-based): chr7:92,517,732-92,517,733, TT deleted on the plus strand (AA on the coding strand, the reverse complement: PEX1 is on the minus strand). VCF-style (leftmost placement, unchanged base first): chr7-92517731-CTT-C. GRCh37 (hg19) VCF-style: chr7-92147045-CTT-C.
Other names: c.782_783del, p.Gln261fs (NM_001282677.2); c.158_159del, p.Gln53fs (NM_001282678.2); short protein forms Q261fs, Q53fs.
Identifiers: ClinVar variation 188910 (VCV000188910.33), dbSNP rs749067142, ClinGen allele CA274114.
Genomic context (GRCh38, chr7:92,517,731, plus strand): 5'-GAACAACCTTTGACTGCATATTTTTGAATGCATTGATTTCAGTTAAACCCCAAGATGTCT[CTT>C]GTTTCTTCTCAGATTGAAAGGAAAAAATGCTTCCTATCATAGTCCATAAACTTGCTACTG-3'

ClinVar aggregate classification (germline): Pathogenic. Review status: criteria provided, multiple submitters, no conflicts (2 of 4 stars). 14 submissions from 13 submitters: Pathogenic (13). 1 of the submissions does not count toward it. Last evaluated 2026-01-12.

Conditions:
Peroxisome biogenesis disorder 1A (Zellweger) (PBD1A). Also called: Peroxisome biogenesis disorder 1a; Zellweger leukodystrophy. Identifiers: MedGen C4721541, MONDO:0008953, OMIM 214100.
Heimler syndrome 1 (HMLR1). Also called: PEROXISOME BIOGENESIS DISORDER 1C. Identifiers: Orphanet 3220, MedGen C4551980, OMIM 234580, MONDO:0024544.
Peroxisome biogenesis disorder 1B (PBD1B). Also called: Refsum disease, infantile form; Infantile Refsum disease; Infantile form of phytanic acid storage disease; PEROXISOME BIOGENESIS DISORDER (NEONATAL ADRENOLEUKODYSTROPHY/INFANTILE REFSUM DISEASE); INFANTILE PHYTANIC ACID STORAGE DISEASE; PEROXISOME BIOGENESIS DISORDER (NALD/IRD). Identifiers: Orphanet 44, MedGen C0282527, MONDO:0011101, OMIM 601539.
PEX1-related disorder. Also called: PEX1-related condition.
Inborn genetic diseases. Identifiers: MedGen C0950123, MeSH D030342.
Zellweger spectrum disorders (ZS). Also called: Zellweger Spectrum Disorder (ZSD); Zellweger Spectrum Disorder; Zellweger Spectrum; Zellweger syndrome. Identifiers: Orphanet 912, MedGen C0043459, MONDO:0019609.
Peroxisome biogenesis disorder. Identifiers: Orphanet 79189, MedGen C1832200, MONDO:0019234. Disease mechanism: loss of function.

Allele frequency attached by ClinVar (database versions not stated): gnomAD 0.00002 and 0.00003; gnomAD exomes 0.00004 and 0.00002; TOPMed 0.00001; ExAC 0.00004.

Submissions (14):

PreventionGenetics, part of Exact Sciences
Classification: Pathogenic for PEX1-related condition. Last evaluated: 2026-01-12. Review status: criteria provided, single submitter. Criteria: ACMG Guidelines, 2015. Collection method: clinical testing. Allele origin: germline.
Comment: The PEX1 c.782_783delAA variant is predicted to result in a frameshift and premature protein termination (p.Gln261Argfs*8). This variant has been reported to be causative for peroxisome biogenesis disorders (Zellweger syndrome) (Yik et al. 2009. PubMed ID: 19105186; Sun et al. 2012. PubMed ID: 23247051). This variant is reported in 0.013% of alleles in individuals of South Asian descent in gnomAD. Frameshift variants in PEX1 are expected to be pathogenic. This variant is interpreted as pathogenic.

Labcorp Genetics (formerly Invitae), Labcorp
Classification: Pathogenic for Zellweger spectrum disorders. Last evaluated: 2025-11-21. Review status: criteria provided, single submitter. Criteria: Invitae Variant Classification Sherloc (09022015). Collection method: clinical testing. Allele origin: germline.
Comment: This sequence change creates a premature translational stop signal (p.Gln261Argfs*8) in the PEX1 gene. It is expected to result in an absent or disrupted protein product. Loss-of-function variants in PEX1 are known to be pathogenic (PMID: 21031596, 26387595, 31831025). This variant is present in population databases (rs749067142, gnomAD 0.01%). This premature translational stop signal has been observed in individuals with peroxisome biogenesis disorders (PMID: 19105186, 23247051). ClinVar contains an entry for this variant (Variation ID: 188910). For these reasons, this variant has been classified as Pathogenic.

Natera, Inc.
Classification: Pathogenic for Zellweger syndrome. Last evaluated: 2025-10-15. Review status: criteria provided, single submitter. Criteria: Natera Variant Classification Schema (03/2026). Collection method: clinical testing. Allele origin: germline.
Comment: The c.782_783delAA variant in PEX1 is a frameshift variant predicted to shift the reading frame beginning at codon 261 and leads to a stop codon 8 codons downstream. This variant is expected to result in nonsense mediated decay, truncation, or a dysfunctional protein product. This variant is rare in the general population with a frequency below the threshold expected for the associated phenotype(s). This variant has been observed in one or more individuals affected with the associated recessive disease, as either homozygous or compound heterozygous with a second variant (PMID: 33708531). Given the available evidence, this variant is classified as Pathogenic.

Greenwood Genetic Center Diagnostic Laboratories, Greenwood Genetic Center
Classification: Pathogenic for PEX1-related disorder. Last evaluated: 2024-09-23. Review status: criteria provided, single submitter. Criteria: ACMG Guidelines, 2015. Collection method: clinical testing. Allele origin: germline. Affected: yes.
Comment: PVS1, PM2, PM3

Blueprint Genetics
Classification: Pathogenic for PEX1-related disorders. Last evaluated: 2024-05-07. Review status: criteria provided, single submitter. Criteria: ACMG Guidelines, 2015. Collection method: clinical testing. Allele origin: germline. Affected: yes. Observed: 3 variant alleles.

Fulgent Genetics
Classification: Pathogenic for Peroxisome biogenesis disorder 1A (Zellweger); Heimler syndrome 1; Peroxisome biogenesis disorder 1B. Last evaluated: 2024-02-14. Review status: criteria provided, single submitter. Criteria: ACMG Guidelines, 2015. Collection method: clinical testing. Allele origin: germline.

Baylor Genetics
Classification: Pathogenic for Heimler syndrome 1. Last evaluated: 2024-02-04. Review status: criteria provided, single submitter. Criteria: ACMG Guidelines, 2015. Collection method: clinical testing. Allele origin: unknown.

Ambry Genetics
Classification: Pathogenic for Inborn genetic diseases. Last evaluated: 2023-02-23. Review status: criteria provided, single submitter. Criteria: Ambry Variant Classification Scheme 2023. Collection method: clinical testing. Allele origin: germline.
Comment: The c.782_783delAA (p.Q261Rfs*8) alteration, located in exon 5 (coding exon 5) of the PEX1 gene, consists of a deletion of 2 nucleotides from position 782 to 783, causing a translational frameshift with a predicted alternate stop codon after 8 amino acids. This alteration is expected to result in loss of function by premature protein truncation or nonsense-mediated mRNA decay. Based on data from gnomAD, the c.782_783delAA allele has an overall frequency of 0.004% (9/249146) total alleles studied. The highest observed frequency was 0.013% (4/30214) of South Asian alleles. This variant has been reported compound heterozygous with other PEX1 variants in individuals with features consistent with PEX1-related peroxisome biogenesis spectrum disorder (Yik, 2009; Sun, 2013; Lu, 2021). Based on the available evidence, this alteration is classified as pathogenic.

GeneDx
Classification: Pathogenic. Last evaluated: 2022-10-17. Review status: criteria provided, single submitter. Criteria: GeneDx Variant Classification Process June 2021. Collection method: clinical testing. Allele origin: germline. Affected: yes.
Comment: Frameshift variant predicted to result in protein truncation or nonsense mediated decay in a gene for which loss-of-function is a known mechanism of disease; Not observed at a significant frequency in large population cohorts (gnomAD); This variant is associated with the following publications: (PMID: 33708531, 19105186, 23247051)

Revvity Omics, Revvity
Classification: Pathogenic. Last evaluated: 2021-12-01. Review status: criteria provided, single submitter. Criteria: ACMG Guidelines, 2015. Collection method: clinical testing. Allele origin: germline.

Women's Health and Genetics/Laboratory Corporation of America, LabCorp
Classification: Pathogenic for Peroxisome biogenesis disorders, Zellweger syndrome spectrum. Last evaluated: 2019-01-08. Review status: criteria provided, single submitter. Criteria: LabCorp Variant Classification Summary - May 2015. Collection method: clinical testing. Allele origin: germline.
Comment: Variant summary: The variant, PEX1 c.782_783delAA (p.Gln261ArgfsX8) results in a premature termination codon, predicted to cause a truncation of the encoded protein or absence of the protein due to nonsense mediated decay, which are commonly known mechanisms for disease. Truncations downstream of this position have been classified as pathogenic by our laboratory (eg. c.2097dupT(p.Ile700fsX42), c.2916delA(p.Gly973fsX16)). The variant allele was found at a frequency of 3.7e-05 in 243912 control chromosomes (gnomAD) and has been reported in the literature in multiple individuals affected with Zellweger syndrome spectrum disorder (ZSS) and Zellweger Syndrome (Ebberink_2010, Yik_2009, Sun_2013) . These data indicate that the variant is very likely to be associated with disease. To our knowledge, no experimental evidence demonstrating an impact on protein function has been reported. No clinical diagnostic laboratories have submitted clinical-significance assessments for this variant to ClinVar after 2014. Based on the evidence outlined above, the variant was classified as pathogenic.

Baylor Genetics
Classification: Pathogenic for Peroxisome biogenesis disorder 1A (Zellweger); Peroxisome biogenesis disorder 1B. Review status: criteria provided, single submitter. Criteria: ACMG Guidelines, 2015. Collection method: clinical testing. Allele origin: germline.

Juno Genomics, Hangzhou Juno Genomics, Inc
Classification: Pathogenic for Heimler syndrome 1; Peroxisome biogenesis disorder 1A (Zellweger); Peroxisome biogenesis disorder 1B. Review status: criteria provided, single submitter. Criteria: ACMG Guidelines, 2015. Collection method: clinical testing. Allele origin: germline.
Comment: Absent from controls (or at extremely low frequency if recessive) in Genome Aggregation Database.;Null variant in a gene where loss of function (LOF) is a known mechanism of disease.;For recessive disorders, detected in trans with a pathogenic variant.;Patient's phenotype or family history is highly specific for a disease with a single genetic etiology.

Counsyl
Classification: Likely pathogenic for Zellweger syndrome. Last evaluated: 2014-08-01. Review status: no assertion criteria provided. Collection method: literature only. Allele origin: unknown. Inheritance: Autosomal recessive inheritance. Not counted in ClinVar's aggregate classification.

Literature cited by the submitters: PubMed 21031596 (cited by Labcorp Genetics (formerly Invitae), Labcorp and Women's Health and Genetics/Laboratory Corporation of America, LabCorp); PubMed 26387595 (cited by Labcorp Genetics (formerly Invitae), Labcorp); PubMed 31831025 (cited by Labcorp Genetics (formerly Invitae), Labcorp); PubMed 19105186 (cited by 4 submitters); PubMed 23247051 (cited by 4 submitters); PubMed 33708531 (cited by Natera, Inc. and Ambry Genetics); PubMed 2324705 (cited by Ambry Genetics).